The following is an entry in ClinVar:

ClinVar aggregate classification (germline): Conflicting classifications of pathogenicity. Review status: criteria provided, conflicting classifications (1 of 4 stars). 5 submissions from 5 submitters: Uncertain significance (1); Likely benign (3). 1 of the submissions does not count toward it. Last evaluated 2026-01-10.

Conditions:
Inborn genetic diseases. Identifiers: MedGen C0950123, MeSH D030342.
Early-infantile DEE. Also called: Early infantile epileptic encephalopathy; Ohtahara syndrome; Early infantile epileptic encephalopathy with suppression bursts. Identifiers: Orphanet 1934, MedGen C0393706, MONDO:0800491.
SCN1A-related disorder. Also called: SCN1A-related disorders; SCN1A-related conditions; SCN1A-related condition.

Allele frequency attached by ClinVar (database versions not stated): gnomAD exomes 0.00001 and 0.00002; ExAC 0.00002; gnomAD 0.00011 and 0.00016; TOPMed 0.00012.
gnomAD v4.1: 27 of 1,611,916 alleles (0.0017%); highest among the groups gnomAD compares: African/African-American, 0.031%; no homozygotes.

Submissions (5):

Labcorp Genetics (formerly Invitae), Labcorp
Classification: Likely benign for Early-infantile DEE. Last evaluated: 2026-01-10. Review status: criteria provided, single submitter. Criteria: Invitae Variant Classification Sherloc (09022015). Collection method: clinical testing. Allele origin: germline.

GeneDx
Classification: Likely benign. Last evaluated: 2020-06-03. Review status: criteria provided, single submitter. Criteria: GeneDx Variant Classification Process June 2021. Collection method: clinical testing. Allele origin: germline. Affected: yes.
Comment: The majority of missense variants in this gene are considered pathogenic (Stenson et al., 2014); Predicted to be within the extracellular loop between the S5 and S6 transmembrane segments of the third homologous domain

Ambry Genetics
Classification: Likely benign for Inborn genetic diseases. Last evaluated: 2017-05-09. Review status: criteria provided, single submitter. Criteria: Ambry Variant Classification Scheme 2023. Collection method: clinical testing. Allele origin: germline.

Eurofins Ntd Llc (ga)
Classification: Uncertain significance. Last evaluated: 2016-04-19. Review status: criteria provided, single submitter. Criteria: EGL Classification Definitions 2015. Collection method: clinical testing. Allele origin: germline. Observed: 2 variant alleles, 2 heterozygotes.

PreventionGenetics, part of Exact Sciences
Classification: Likely benign for SCN1A-related condition. Last evaluated: 2024-07-25. Review status: no assertion criteria provided. Collection method: clinical testing. Allele origin: germline. Not counted in ClinVar's aggregate classification.
Comment: This variant is classified as likely benign based on ACMG/AMP sequence variant interpretation guidelines (Richards et al. 2015 PMID: 25741868, with internal and published modifications).

NM_001165963.4(SCN1A):c.4129A>G (p.Ile1377Val)

Genes: SCN1A (sodium voltage-gated channel alpha subunit 1; minus strand), LOC102724058 (uncharacterized LOC102724058; plus strand). Cytogenetic location: 2q24.3.
Variant type: single nucleotide variant.
Coding change: c.4129A>G on transcript NM_001165963.4 (MANE Select); coding-DNA position 4129, A replaced by G.
Protein change: p.Ile1377Val; replaces isoleucine 1377 with valine.
Molecular consequence: missense variant. On other transcripts: non-coding transcript variant (1).
Genome position (GRCh38, 1-based): chr2:166,002,627, T>C on the plus strand (A>G on the coding strand, the complement: SCN1A is on the minus strand). VCF-style: chr2-166002627-T-C. GRCh37 (hg19) VCF-style: chr2-166859137-T-C.
Other names: c.4045A>G, p.Ile1349Val (NM_001165964.3, NM_001353957.2, NM_001353958.2); c.4129A>G, p.Ile1377Val (NM_001202435.3, NM_001353948.2); c.4096A>G, p.Ile1366Val (NM_001353949.2, NM_001353950.2, NM_001353951.2 and 2 more transcripts); c.4093A>G, p.Ile1365Val (NM_001353954.2, NM_001353955.2); c.4042A>G, p.Ile1348Val (NM_001353960.2); c.1687A>G, p.Ile563Val (NM_001353961.2); c.4129A>G (NM_001202435.1); short protein forms I1366V, I1377V, I1365V, I1348V, I1349V, I563V.
Identifiers: ClinVar variation 287064 (VCV000287064.26), dbSNP rs762317674, ClinGen allele CA1942836.